The following is an entry in ClinVar:

NM_002693.3(POLG):c.2668G>C (p.Asp890His)

Gene: POLG (DNA polymerase gamma, catalytic subunit; minus strand). Cytogenetic location: 15q26.1.
Variant type: single nucleotide variant.
Coding change: c.2668G>C on transcript NM_002693.3 (MANE Select); coding-DNA position 2668, G replaced by C.
Protein change: p.Asp890His; replaces aspartic acid 890 with histidine.
Molecular consequence: missense variant.
Genome position (GRCh38, 1-based): chr15:89,321,191, C>G on the plus strand (G>C on the coding strand, the complement: POLG is on the minus strand). VCF-style: chr15-89321191-C-G. GRCh37 (hg19) VCF-style: chr15-89864422-C-G.
Other names: c.2668G>C, p.Asp890His (NM_001126131.2); short protein forms D890H.
Identifiers: ClinVar variation 2197953 (VCV002197953.5), dbSNP rs2509219022, ClinGen allele CA393753738.

ClinVar aggregate classification (germline): Conflicting classifications of pathogenicity. Review status: criteria provided, conflicting classifications (1 of 4 stars). 2 submissions from 2 submitters: Likely pathogenic (1); Uncertain significance (1). Last evaluated 2023-10-03.

Conditions:
Progressive sclerosing poliodystrophy (MTDPS4A). Also called: Alpers Syndrome; ALPERS PROGRESSIVE INFANTILE POLIODYSTROPHY; Mitochondrial DNA Depletion Syndrome 4A; NEURONAL DEGENERATION OF CHILDHOOD WITH LIVER DISEASE, PROGRESSIVE; Alpers-Huttenlocher Syndrome (AHS); ALPERS DIFFUSE DEGENERATION OF CEREBRAL GRAY MATTER WITH HEPATIC CIRRHOSIS. Identifiers: Orphanet 726, MedGen C0205710, MONDO:0008758, OMIM 203700.
POLG-related disorder. Also called: POLG-Related Spectrum Disorders; POLG-related condition; POLG-Related Disorders. Identifiers: MedGen C4763519.

Submissions (2):

Blueprint Genetics
Classification: Likely pathogenic for POLG-related disorders. Last evaluated: 2023-10-03. Review status: criteria provided, single submitter. Criteria: ACMG Guidelines, 2015. Collection method: clinical testing. Allele origin: germline. Affected: yes. Observed: 1 variant allele.

Labcorp Genetics (formerly Invitae), Labcorp
Classification: Uncertain significance for Progressive sclerosing poliodystrophy. Last evaluated: 2022-01-03. Review status: criteria provided, single submitter. Criteria: Invitae Variant Classification Sherloc (09022015). Collection method: clinical testing. Allele origin: germline.
Comment: This sequence change replaces aspartic acid, which is acidic and polar, with histidine, which is basic and polar, at codon 890 of the POLG protein (p.Asp890His). In summary, the available evidence is currently insufficient to determine the role of this variant in disease. Therefore, it has been classified as a Variant of Uncertain Significance. Algorithms developed to predict the effect of missense changes on protein structure and function (SIFT, PolyPhen-2, Align-GVGD) all suggest that this variant is likely to be disruptive. This variant has not been reported in the literature in individuals affected with POLG-related conditions. This variant is not present in population databases (gnomAD no frequency).